The following is an entry in ClinVar:

ClinVar aggregate classification (germline): Likely pathogenic, low penetrance (1 of 4 stars; one submission).

Conditions:
Atypical hemolytic-uremic syndrome. Identifiers: Orphanet 2134, MedGen C2931788, MONDO:0016244.

Submission:

Genomenon, Inc
Classification: Likely pathogenic, low penetrance for Atypical hemolytic-uremic syndrome. Last evaluated: 2025-09-26. Review status: criteria provided, single submitter. Criteria: Genomenon Sequence Variant Interpretation Standards - Updated. Collection method: curation. Allele origin: germline. Affected: yes.
Comment: CFI p.Cys67Phe (c.200G>T) is a missense variant that changes the amino acid at residue 67 from Cysteine to Phenylalanine. This variant has been observed in at least one proband affected with atypical hemolytic-uremic syndrome (PMID:35241161). It is absent or not present at a significant frequency in gnomAD. In silico models agree that this variant is possibly or probably damaging. The presence of pathogenic/likely pathogenic missense variant(s) at the same amino acid position indicates that this residue is likely important for protein function. In conclusion, we classify CFI p.Cys67Phe (c.200G>T) as a likely pathogenic, low penetrance variant.

Literature cited by the submitters: PubMed 35241161.

NM_000204.5(CFI):c.200G>T (p.Cys67Phe)

Gene: CFI (complement factor I; minus strand). Cytogenetic location: 4q25.
Variant type: single nucleotide variant.
Coding change: c.200G>T on transcript NM_000204.5 (MANE Select); coding-DNA position 200, G replaced by T.
Protein change: p.Cys67Phe; replaces cysteine 67 with phenylalanine.
Molecular consequence: missense variant. On other transcripts: non-coding transcript variant (3), intron variant (1).
Genome position (GRCh38, 1-based): chr4:109,766,682, C>A on the plus strand (G>T on the coding strand, the complement: CFI is on the minus strand). VCF-style: chr4-109766682-C-A. GRCh37 (hg19) VCF-style: chr4-110687838-C-A.
Other names: c.200G>T, p.Cys67Phe (NM_001318057.2, NM_001331035.2, NM_001375278.1 and 10 more transcripts); c.-127-4990G>T (NM_001375284.1); short protein forms C67F.
Identifiers: ClinVar variation 4280446 (VCV004280446.1).